The following is an entry in ClinVar:

ClinVar aggregate classification (germline): Uncertain significance. Review status: criteria provided, multiple submitters, no conflicts (2 of 4 stars). 3 submissions from 3 submitters: Uncertain significance (3). Last evaluated 2026-04-06.

Conditions:
Charcot-Marie-Tooth disease type 2. Also called: Charcot-Marie-Tooth type 2. Identifiers: Orphanet 64746, MedGen C0270914, MONDO:0018993.
GARS1-related disorder. Also called: GARS1-related condition.

Allele frequency attached by ClinVar (database versions not stated): ExAC 0.00001; gnomAD exomes 0.00001; gnomAD 0.00006; 1000 Genomes Project 30x 0.00016; 1000 Genomes Project 0.00020.
gnomAD v4.1: 15 of 1,614,028 alleles (0.00093%); highest among the groups gnomAD compares: African/African-American, 0.011%; no homozygotes.

Submissions (3):

PreventionGenetics, part of Exact Sciences
Classification: Uncertain significance for GARS1-related condition. Last evaluated: 2026-04-06. Review status: criteria provided, single submitter. Criteria: ACMG Guidelines, 2015. Collection method: clinical testing. Allele origin: germline.
Comment: The GARS1 c.1451A>C variant is predicted to result in the amino acid substitution p.Lys484Thr. To our knowledge, this variant has not been reported in the literature. This variant is reported in 0.012% of alleles in individuals of African descent in gnomAD. At this time, the clinical significance of this variant is uncertain due to the absence of conclusive functional and genetic evidence.

Ambry Genetics
Classification: Uncertain significance. Last evaluated: 2023-04-26. Review status: criteria provided, single submitter. Criteria: Ambry Variant Classification Scheme 2023. Collection method: clinical testing. Allele origin: germline.

Labcorp Genetics (formerly Invitae), Labcorp
Classification: Uncertain significance for Charcot-Marie-Tooth disease type 2. Last evaluated: 2023-04-22. Review status: criteria provided, single submitter. Criteria: Invitae Variant Classification Sherloc (09022015). Collection method: clinical testing. Allele origin: germline.
Comment: This variant has not been reported in the literature in individuals affected with GARS-related conditions. This sequence change replaces lysine, which is basic and polar, with threonine, which is neutral and polar, at codon 484 of the GARS protein (p.Lys484Thr). This variant is present in population databases (rs528223570, gnomAD 0.01%). ClinVar contains an entry for this variant (Variation ID: 1047140). Advanced modeling of protein sequence and biophysical properties (such as structural, functional, and spatial information, amino acid conservation, physicochemical variation, residue mobility, and thermodynamic stability) has been performed at Invitae for this missense variant, however the output from this modeling did not meet the statistical confidence thresholds required to predict the impact of this variant on GARS protein function. In summary, the available evidence is currently insufficient to determine the role of this variant in disease. Therefore, it has been classified as a Variant of Uncertain Significance.

NM_002047.4(GARS1):c.1451A>C (p.Lys484Thr)

Gene: GARS1 (glycyl-tRNA synthetase 1; plus strand). Cytogenetic location: 7p14.3.
Variant type: single nucleotide variant.
Coding change: c.1451A>C on transcript NM_002047.4 (MANE Select); coding-DNA position 1451, A replaced by C.
Protein change: p.Lys484Thr; replaces lysine 484 with threonine.
Molecular consequence: missense variant.
Genome position (GRCh38, 1-based): chr7:30,621,484, A>C. VCF-style: chr7-30621484-A-C. GRCh37 (hg19) VCF-style: chr7-30661100-A-C.
Other names: c.1451A>C (NM_002047.2, NM_002047.3); c.1289A>C, p.Lys430Thr (NM_001316772.1); short protein forms K430T, K484T.
Identifiers: ClinVar variation 1047140 (VCV001047140.11), dbSNP rs528223570, ClinGen allele CA4205976.
Genomic context (GRCh38, chr7:30,621,484, plus strand): 5'-GTTCCTGTTATGACCTCTCCTGTCATGCACGAGCCACCAAAGTCCCACTTGTAGCTGAGA[A>C]ACCTCTGAAAGAACCCATATCCTTTCTGGTCACTCCAAAAACTCAGGATTCACATGTGAA-3'
Protein context (NP_002038.2, residues 474-494): RATKVPLVAE[Lys484Thr]PLKEPKTVNV